The following is an entry in ClinVar:

NM_001401501.2(MUC16):c.32268T>C (p.Pro10756=)

Gene: MUC16 (mucin 16, cell surface associated; minus strand). Cytogenetic location: 19p13.2.
Variant type: single nucleotide variant.
Coding change: c.32268T>C on transcript NM_001401501.2 (MANE Select); coding-DNA position 32268, T replaced by C.
Protein change: p.Pro10756=; no amino-acid change (proline 10756 retained).
Molecular consequence: synonymous variant.
Genome position (GRCh38, 1-based): chr19:8,938,807, A>G on the plus strand (T>C on the coding strand, the complement: MUC16 is on the minus strand). VCF-style: chr19-8938807-A-G. GRCh37 (hg19) VCF-style: chr19-9049483-A-G.
Other names: c.32694T>C, p.Pro10898= (NM_001414686.1); c.32148T>C, p.Pro10716= (NM_001414687.1, NM_024690.2).
Identifiers: ClinVar variation 3039496 (VCV003039496.2), dbSNP rs368169145, ClinGen allele CA9166714.

ClinVar aggregate classification (germline): Likely benign (0 of 4 stars; one submission).

Conditions:
MUC16-related disorder. Also called: MUC16-related condition.

Allele frequency attached by ClinVar (database versions not stated): gnomAD exomes 0.00002; ExAC 0.00013; ESP Exome Variant Server 0.00033; TOPMed 0.00036; gnomAD 0.00039; 1000 Genomes Project 30x 0.00016; 1000 Genomes Project 0.00020.

Submission:

PreventionGenetics, part of Exact Sciences
Classification: Likely benign for MUC16-related condition. Last evaluated: 2019-05-24. Review status: no assertion criteria provided. Collection method: clinical testing. Allele origin: germline.
Comment: This variant is classified as likely benign based on ACMG/AMP sequence variant interpretation guidelines (Richards et al. 2015 PMID: 25741868, with internal and published modifications).